The following is an entry in ClinVar:

ClinVar aggregate classification (germline): Uncertain significance (1 of 4 stars; one submission).

gnomAD v4.1: 24 of 1,206,428 alleles (0.002%); highest among the groups gnomAD compares: South Asian, 0.0071%; no homozygotes.

Submission:

Labcorp Genetics (formerly Invitae), Labcorp
Classification: Uncertain significance. Last evaluated: 2024-07-29. Review status: criteria provided, single submitter. Criteria: Invitae Variant Classification Sherloc (09022015). Collection method: clinical testing. Allele origin: germline.
Comment: This sequence change replaces glycine, which is neutral and non-polar, with serine, which is neutral and polar, at codon 582 of the CACNA1F protein (p.Gly582Ser). The frequency data for this variant in the population databases is considered unreliable, as metrics indicate poor data quality at this position in the gnomAD database. This variant has not been reported in the literature in individuals affected with CACNA1F-related conditions. Advanced modeling of protein sequence and biophysical properties (such as structural, functional, and spatial information, amino acid conservation, physicochemical variation, residue mobility, and thermodynamic stability) performed at Invitae indicates that this missense variant is not expected to disrupt CACNA1F protein function with a negative predictive value of 80%. In summary, the available evidence is currently insufficient to determine the role of this variant in disease. Therefore, it has been classified as a Variant of Uncertain Significance.

NM_001256789.3(CACNA1F):c.1711G>A (p.Gly571Ser)

Gene: CACNA1F (calcium voltage-gated channel subunit alpha1 F; minus strand). Cytogenetic location: Xp11.23.
Variant type: single nucleotide variant.
Coding change: c.1711G>A on transcript NM_001256789.3 (MANE Select); coding-DNA position 1711, G replaced by A.
Protein change: p.Gly571Ser; replaces glycine 571 with serine.
Molecular consequence: missense variant.
Genome position (GRCh38, 1-based): chrX:49,224,927, C>T on the plus strand (G>A on the coding strand, the complement: CACNA1F is on the minus strand). VCF-style: chrX-49224927-C-T. GRCh37 (hg19) VCF-style: chrX-49081389-C-T.
Other names: c.1549G>A, p.Gly517Ser (NM_001256790.3); c.1744G>A, p.Gly582Ser (NM_005183.4); short protein forms G582S, G517S, G571S.
Identifiers: ClinVar variation 3711344 (VCV003711344.2).